The following is an entry in ClinVar:

NM_000051.4(ATM):c.6213G>T (p.Leu2071Phe)

Genes: ATM (ATM serine/threonine kinase; plus strand), C11orf65 (chromosome 11 open reading frame 65; minus strand). Cytogenetic location: 11q22.3.
Variant type: single nucleotide variant.
Coding change: c.6213G>T on transcript NM_000051.4 (MANE Select); coding-DNA position 6213, G replaced by T.
Protein change: p.Leu2071Phe; replaces leucine 2071 with phenylalanine.
Molecular consequence: missense variant. On other transcripts: intron variant (2).
Genome position (GRCh38, 1-based): chr11:108,317,387, G>T. VCF-style: chr11-108317387-G-T. GRCh37 (hg19) VCF-style: chr11-108188114-G-T.
Other names: c.6213G>T, p.Leu2071Phe (NM_001351834.2); c.641-8316C>A (NM_001330368.2); c.*39-8316C>A (NM_001351110.2); short protein forms L2071F.
Identifiers: ClinVar variation 2562572 (VCV002562572.4), dbSNP rs2136163112, ClinGen allele CA382551087.

ClinVar aggregate classification (germline): Uncertain significance. Review status: criteria provided, multiple submitters, no conflicts (2 of 4 stars). 2 submissions from 2 submitters: Uncertain significance (2). Last evaluated 2024-02-29.

Conditions:
Ataxia-telangiectasia syndrome (AT). Also called: LOUIS-BAR SYNDROME; Cerebello-oculocutaneous telangiectasia; Immunodeficiency with ataxia telangiectasia; Ataxia-telangiectasia, complementation group E; Ataxia-telangiectasia, complementation group D; AT, COMPLEMENTATION GROUP C. Identifiers: Orphanet 100, MedGen C0004135, MONDO:0008840, OMIM 208900.
Hereditary cancer-predisposing syndrome. Also called: Hereditary Cancer Syndrome; Hereditary neoplastic syndrome; Neoplastic Syndromes, Hereditary; Tumor predisposition. Identifiers: Orphanet 140162, MedGen C0027672, MeSH D009386, MONDO:0015356.

Submissions (2):

Labcorp Genetics (formerly Invitae), Labcorp
Classification: Uncertain significance for Ataxia-telangiectasia syndrome. Last evaluated: 2024-02-29. Review status: criteria provided, single submitter. Criteria: Invitae Variant Classification Sherloc (09022015). Collection method: clinical testing. Allele origin: germline.
Comment: This sequence change replaces leucine, which is neutral and non-polar, with phenylalanine, which is neutral and non-polar, at codon 2071 of the ATM protein (p.Leu2071Phe). This variant is not present in population databases (gnomAD no frequency). This variant has not been reported in the literature in individuals affected with ATM-related conditions. ClinVar contains an entry for this variant (Variation ID: 2562572). Algorithms developed to predict the effect of missense changes on protein structure and function output the following: SIFT: "Not Available"; PolyPhen-2: "Benign"; Align-GVGD: "Not Available". The phenylalanine amino acid residue is found in multiple mammalian species, which suggests that this missense change does not adversely affect protein function. In summary, the available evidence is currently insufficient to determine the role of this variant in disease. Therefore, it has been classified as a Variant of Uncertain Significance.

Ambry Genetics
Classification: Uncertain significance for Hereditary cancer-predisposing syndrome. Last evaluated: 2023-06-01. Review status: criteria provided, single submitter. Criteria: Ambry Variant Classification Scheme 2023. Collection method: clinical testing. Allele origin: germline.
Comment: The p.L2071F variant (also known as c.6213G>T), located in coding exon 42 of the ATM gene, results from a G to T substitution at nucleotide position 6213. The leucine at codon 2071 is replaced by phenylalanine, an amino acid with highly similar properties. This amino acid position is not well conserved in available vertebrate species. In addition, this alteration is predicted to be tolerated by in silico analysis. Since supporting evidence is limited at this time, the clinical significance of this alteration remains unclear.